The following is an entry in ClinVar:

ClinVar aggregate classification (germline): Uncertain significance (1 of 4 stars; one submission).

Conditions:
FN1-related disorder. Also called: FN1-related condition.

gnomAD v4.1: 1 of 1,614,090 alleles (0.000062%); highest among the groups gnomAD compares: Non-Finnish European, 0.000085%; no homozygotes.

Submission:

PreventionGenetics, part of Exact Sciences
Classification: Uncertain significance for FN1-related condition. Last evaluated: 2025-02-24. Review status: criteria provided, single submitter. Criteria: ACMG Guidelines, 2015. Collection method: clinical testing. Allele origin: germline.
Comment: The FN1 c.2390G>C variant is predicted to result in the amino acid substitution p.Gly797Ala. To our knowledge, this variant has not been reported in the literature or in a large population database (gnomAD), indicating this variant is rare. At this time, the clinical significance of this variant is uncertain due to the absence of conclusive functional and genetic evidence.

NM_212482.4(FN1):c.2390G>C (p.Gly797Ala)

Gene: FN1 (fibronectin 1; minus strand). Cytogenetic location: 2q35.
Variant type: single nucleotide variant.
Coding change: c.2390G>C on transcript NM_212482.4 (MANE Select); coding-DNA position 2390, G replaced by C.
Protein change: p.Gly797Ala; replaces glycine 797 with alanine.
Molecular consequence: missense variant.
Genome position (GRCh38, 1-based): chr2:215,408,336, C>G on the plus strand (G>C on the coding strand, the complement: FN1 is on the minus strand). VCF-style: chr2-215408336-C-G. GRCh37 (hg19) VCF-style: chr2-216273059-C-G.
Other names: c.2390G>C, p.Gly797Ala (NM_001306129.2, NM_001306130.2, NM_001306131.2 and 13 more transcripts); short protein forms G797A.
Identifiers: ClinVar variation 4999369 (VCV004999369.1).
Genomic context (GRCh38, chr2:215,408,336, plus strand): 5'-ACACTATGTAGCACACATGTACCTGTTGTTTGTGAAGTAGACAGGATCAAACTCTGCTCC[C>G]CATCCTCAGATATCTGATAGACATTTACAATGTATTTTCGGCCAGGAAGCAGGTCAGGGA-3'
Protein context (NP_997647.2, residues 787-807): IVNVYQISED[Gly797Ala]EQSLILSTSQ